The following is an entry in ClinVar:

NM_006031.6(PCNT):c.2597T>A (p.Leu866Gln)

Gene: PCNT (pericentrin; plus strand). Cytogenetic location: 21q22.3.
Variant type: single nucleotide variant.
Coding change: c.2597T>A on transcript NM_006031.6 (MANE Select); coding-DNA position 2597, T replaced by A.
Protein change: p.Leu866Gln; replaces leucine 866 with glutamine.
Molecular consequence: missense variant.
Genome position (GRCh38, 1-based): chr21:46,363,922, T>A. VCF-style: chr21-46363922-T-A. GRCh37 (hg19) VCF-style: chr21-47783837-T-A.
Other names: c.2243T>A, p.Leu748Gln (NM_001315529.2); c.2597T>A (NM_006031.5); short protein forms L748Q, L866Q.
Identifiers: ClinVar variation 2106811 (VCV002106811.2), dbSNP rs369866121, ClinGen allele CA10079023.

ClinVar aggregate classification (germline): Uncertain significance. Review status: criteria provided, multiple submitters, no conflicts (2 of 4 stars). 2 submissions from 2 submitters: Uncertain significance (2). Last evaluated 2026-03-10.

Conditions:
PCNT-related disorder. Also called: PCNT-related condition.

Allele frequency attached by ClinVar (database versions not stated): ExAC 0.00001; TOPMed 0.00002; gnomAD 0.00003; ESP Exome Variant Server 0.00008.
gnomAD v4.1: 6 of 1,607,968 alleles (0.00037%); highest among the groups gnomAD compares: African/African-American, 0.008%; no homozygotes.

Submissions (2):

PreventionGenetics, part of Exact Sciences
Classification: Uncertain significance for PCNT-related condition. Last evaluated: 2026-03-10. Review status: criteria provided, single submitter. Criteria: ACMG Guidelines, 2015. Collection method: clinical testing. Allele origin: germline.
Comment: The PCNT c.2597T>A variant is predicted to result in the amino acid substitution p.Leu866Gln. To our knowledge, this variant has not been reported in the literature. This variant is reported in 0.014% of alleles in individuals of African descent in gnomAD. At this time, the clinical significance of this variant is uncertain due to the absence of conclusive functional and genetic evidence.

Labcorp Genetics (formerly Invitae), Labcorp
Classification: Uncertain significance. Last evaluated: 2022-03-04. Review status: criteria provided, single submitter. Criteria: Invitae Variant Classification Sherloc (09022015). Collection method: clinical testing. Allele origin: germline.
Comment: This sequence change replaces leucine, which is neutral and non-polar, with glutamine, which is neutral and polar, at codon 866 of the PCNT protein (p.Leu866Gln). This variant is present in population databases (rs369866121, gnomAD 0.01%). This variant has not been reported in the literature in individuals affected with PCNT-related conditions. Algorithms developed to predict the effect of missense changes on protein structure and function output the following: SIFT: "Tolerated"; PolyPhen-2: "Possibly Damaging"; Align-GVGD: "Class C0". The glutamine amino acid residue is found in multiple mammalian species, which suggests that this missense change does not adversely affect protein function. In summary, the available evidence is currently insufficient to determine the role of this variant in disease. Therefore, it has been classified as a Variant of Uncertain Significance.